The following is an entry in ClinVar:

NM_000135.4(FANCA):c.2779-1G>T

Gene: FANCA (FA complementation group A; minus strand). Cytogenetic location: 16q24.3.
Variant type: single nucleotide variant.
Coding change: c.2779-1G>T on transcript NM_000135.4 (MANE Select); the canonical splice acceptor site of the intron before coding-DNA position 2779, G replaced by T.
Molecular consequence: splice acceptor variant.
Genome position (GRCh38, 1-based): chr16:89,762,023, C>A on the plus strand (G>T on the coding strand, the complement: FANCA is on the minus strand). VCF-style: chr16-89762023-C-A. GRCh37 (hg19) VCF-style: chr16-89828431-C-A.
Other names: c.2779-1G>T (NM_001286167.3).
Identifiers: ClinVar variation 1065918 (VCV001065918.7), dbSNP rs2143261385, ClinGen allele CA397434048.

ClinVar aggregate classification (germline): Likely pathogenic (1 of 4 stars; one submission).

Conditions:
Fanconi anemia (FA). Also called: Fanconi's anemia. Identifiers: Orphanet 84, MedGen C0015625, MeSH D005199, MONDO:0019391.

Submission:

Labcorp Genetics (formerly Invitae), Labcorp
Classification: Likely pathogenic for Fanconi anemia. Last evaluated: 2023-06-07. Review status: criteria provided, single submitter. Criteria: Invitae Variant Classification Sherloc (09022015). Collection method: clinical testing. Allele origin: germline.
Comment: In summary, the currently available evidence indicates that the variant is pathogenic, but additional data are needed to prove that conclusively. Therefore, this variant has been classified as Likely Pathogenic. Algorithms developed to predict the effect of sequence changes on RNA splicing suggest that this variant may disrupt the consensus splice site. ClinVar contains an entry for this variant (Variation ID: 1065918). This variant has not been reported in the literature in individuals affected with FANCA-related conditions. This variant is not present in population databases (gnomAD no frequency). This sequence change affects an acceptor splice site in intron 28 of the FANCA gene. It is expected to disrupt RNA splicing. Variants that disrupt the donor or acceptor splice site typically lead to a loss of protein function (PMID: 16199547), and loss-of-function variants in FANCA are known to be pathogenic (PMID: 19367192).

Literature cited by the submitters: PubMed 16199547; PubMed 19367192.